The following is an entry in ClinVar:

NM_004655.4(AXIN2):c.2520G>T (p.Glu840Asp)

Gene: AXIN2 (axin 2; minus strand). Cytogenetic location: 17q24.1.
Variant type: single nucleotide variant.
Coding change: c.2520G>T on transcript NM_004655.4 (MANE Select); coding-DNA position 2520, G replaced by T.
Protein change: p.Glu840Asp; replaces glutamic acid 840 with aspartic acid.
Molecular consequence: missense variant.
Genome position (GRCh38, 1-based): chr17:65,529,988, C>A on the plus strand (G>T on the coding strand, the complement: AXIN2 is on the minus strand). VCF-style: chr17-65529988-C-A. GRCh37 (hg19) VCF-style: chr17-63526106-C-A.
Other names: c.2325G>T, p.Glu775Asp (NM_001363813.1); short protein forms E775D, E840D.
Identifiers: ClinVar variation 946009 (VCV000946009.9), dbSNP rs2043789662, ClinGen allele CA400674731.
Genomic context (GRCh38, chr17:65,529,988, plus strand): 5'-CACAAGAGCTTCGGGCTCCAACAGTTCACCAAAGCCAGACCCCAGGGCTCAATCGATCCG[C>A]TCCACTTTGCCCAGAATCCGGCCTTCATACATCGGGAGCACCGTCTCATCCTCCCAGATC-3'
Protein context (NP_004646.3, residues 830-843): MYEGRILGKV[Glu840Asp]RID

ClinVar aggregate classification (germline): Uncertain significance (1 of 4 stars; one submission).

Conditions:
Oligodontia-cancer predisposition syndrome. Also called: TOOTH AGENESIS-COLORECTAL CANCER SYNDROME. Identifiers: Orphanet 300576, MedGen C1837750, MONDO:0012075, OMIM 608615. Disease mechanism: loss of function.

Submission:

Labcorp Genetics (formerly Invitae), Labcorp
Classification: Uncertain significance for Oligodontia-cancer predisposition syndrome. Last evaluated: 2019-05-27. Review status: criteria provided, single submitter. Criteria: Invitae Variant Classification Sherloc (09022015). Collection method: clinical testing. Allele origin: germline.
Comment: This variant is not present in population databases (ExAC no frequency). This sequence change replaces glutamic acid with aspartic acid at codon 840 of the AXIN2 protein (p.Glu840Asp). The glutamic acid residue is highly conserved and there is a small physicochemical difference between glutamic acid and aspartic acid. This variant has not been reported in the literature in individuals with AXIN2-related conditions. In summary, the available evidence is currently insufficient to determine the role of this variant in disease. Therefore, it has been classified as a Variant of Uncertain Significance. Algorithms developed to predict the effect of missense changes on protein structure and function (SIFT, PolyPhen-2, Align-GVGD) all suggest that this variant is likely to be tolerated, but these predictions have not been confirmed by published functional studies and their clinical significance is uncertain.